The following is an entry in ClinVar:

NM_004974.4(KCNA2):c.767A>G (p.Asn256Ser)

Gene: KCNA2 (potassium voltage-gated channel subfamily A member 2; minus strand). Cytogenetic location: 1p13.3.
Variant type: single nucleotide variant.
Coding change: c.767A>G on transcript NM_004974.4 (MANE Select); coding-DNA position 767, A replaced by G.
Protein change: p.Asn256Ser; replaces asparagine 256 with serine.
Molecular consequence: missense variant.
Genome position (GRCh38, 1-based): chr1:110,604,016, T>C on the plus strand (A>G on the coding strand, the complement: KCNA2 is on the minus strand). VCF-style: chr1-110604016-T-C. GRCh37 (hg19) VCF-style: chr1-111146638-T-C.
Other names: c.767A>G, p.Asn256Ser (NM_001204269.2); short protein forms N256S.
Identifiers: ClinVar variation 3720965 (VCV003720965.3).
Genomic context (GRCh38, chr1:110,604,016, plus strand): 5'-TCAGCCAACTCTGTCCCCAGGGTGATGAAGTAGGGGATGATGGCCACAATGTCAATGATG[T>C]TCATGATGTTGGTGAAGAAGCCGGCTTTGCTGGGACAGGCAAAGAACCTCACCAAGAATT-3'
Protein context (NP_004965.1, residues 246-266): SKAGFFTNIM[Asn256Ser]IIDIVAIIPY

ClinVar aggregate classification (germline): Uncertain significance. Review status: criteria provided, multiple submitters, no conflicts (2 of 4 stars). 2 submissions from 2 submitters: Uncertain significance (2). Last evaluated 2025-01-23.

Conditions:
Developmental and epileptic encephalopathy, 32 (DEE32). Also called: Epileptic encephalopathy, early infantile, 32. Identifiers: Orphanet 442835, MedGen C4225350, MONDO:0014607, OMIM 616366.

Submissions (2):

Labcorp Genetics (formerly Invitae), Labcorp
Classification: Uncertain significance for Developmental and epileptic encephalopathy, 32. Last evaluated: 2025-01-23. Review status: criteria provided, single submitter. Criteria: Invitae Variant Classification Sherloc (09022015). Collection method: clinical testing. Allele origin: germline.
Comment: This sequence change replaces asparagine, which is neutral and polar, with serine, which is neutral and polar, at codon 256 of the KCNA2 protein (p.Asn256Ser). This variant is not present in population databases (gnomAD no frequency). This variant has not been reported in the literature in individuals affected with KCNA2-related conditions. Invitae Evidence Modeling of protein sequence and biophysical properties (such as structural, functional, and spatial information, amino acid conservation, physicochemical variation, residue mobility, and thermodynamic stability) has been performed for this missense variant. However, the output from this modeling did not meet the statistical confidence thresholds required to predict the impact of this variant on KCNA2 protein function. In summary, the available evidence is currently insufficient to determine the role of this variant in disease. Therefore, it has been classified as a Variant of Uncertain Significance.

Blueprint Genetics
Classification: Uncertain significance. Last evaluated: 2024-04-12. Review status: criteria provided, single submitter. Criteria: ACMG Guidelines, 2015. Collection method: clinical testing. Allele origin: germline.